The following is an entry in ClinVar:

NM_016111.4(TELO2):c.583G>A (p.Val195Met)

Gene: TELO2 (telomere maintenance 2; plus strand). Cytogenetic location: 16p13.3.
Variant type: single nucleotide variant.
Coding change: c.583G>A on transcript NM_016111.4 (MANE Select); coding-DNA position 583, G replaced by A.
Protein change: p.Val195Met; replaces valine 195 with methionine.
Molecular consequence: missense variant.
Genome position (GRCh38, 1-based): chr16:1,495,593, G>A. VCF-style: chr16-1495593-G-A. GRCh37 (hg19) VCF-style: chr16-1545594-G-A.
Other names: c.583G>A, p.Val195Met (NM_001351846.2); c.583G>A (NM_016111.3); short protein forms V195M.
Identifiers: ClinVar variation 1959156 (VCV001959156.4), dbSNP rs780098405, ClinGen allele CA276650312.
Genomic context (GRCh38, chr16:1,495,593, plus strand): 5'-AACTTGGCCGAGTTCTTCCCCCAGAACTACTTCCGCCTGCTCGGCGAGGAGGTCGTCCGG[G>A]TGCTGCAGGCGGTTGTGGACTCTCTCCAAGGTGAGGCCCTGCCTCGGGGACCCCCTTTGC-3'
Protein context (NP_057195.2, residues 185-205): FRLLGEEVVR[Val195Met]LQAVVDSLQG

ClinVar aggregate classification (germline): Uncertain significance. Review status: criteria provided, multiple submitters, no conflicts (2 of 4 stars). 2 submissions from 2 submitters: Uncertain significance (2). Last evaluated 2025-11-26.

Conditions:
Inborn genetic diseases. Identifiers: MedGen C0950123, MeSH D030342.

Allele frequency attached by ClinVar (database versions not stated): gnomAD 0.00001.
gnomAD v4.1: 8 of 1,605,886 alleles (0.0005%); highest among the groups gnomAD compares: African/African-American, 0.0027%; no homozygotes.

Submissions (2):

Ambry Genetics
Classification: Uncertain significance for Inborn genetic diseases. Last evaluated: 2025-11-26. Review status: criteria provided, single submitter. Criteria: Ambry Variant Classification Scheme 2023. Collection method: clinical testing. Allele origin: germline.

Labcorp Genetics (formerly Invitae), Labcorp
Classification: Uncertain significance. Last evaluated: 2022-04-28. Review status: criteria provided, single submitter. Criteria: Invitae Variant Classification Sherloc (09022015). Collection method: clinical testing. Allele origin: germline.
Comment: This sequence change replaces valine, which is neutral and non-polar, with methionine, which is neutral and non-polar, at codon 195 of the TELO2 protein (p.Val195Met). This variant is present in population databases (no rsID available, gnomAD 0.01%). This variant has not been reported in the literature in individuals affected with TELO2-related conditions. Algorithms developed to predict the effect of missense changes on protein structure and function are either unavailable or do not agree on the potential impact of this missense change (SIFT: "Deleterious"; PolyPhen-2: "Probably Damaging"; Align-GVGD: "Class C0"). In summary, the available evidence is currently insufficient to determine the role of this variant in disease. Therefore, it has been classified as a Variant of Uncertain Significance.